The following is an entry in ClinVar:

NM_001199138.2(NLRC4):c.1685A>G (p.Tyr562Cys)

Gene: NLRC4 (NLR family CARD domain containing 4; minus strand). Cytogenetic location: 2p22.3.
Variant type: single nucleotide variant.
Coding change: c.1685A>G on transcript NM_001199138.2 (MANE Select); coding-DNA position 1685, A replaced by G.
Protein change: p.Tyr562Cys; replaces tyrosine 562 with cysteine.
Molecular consequence: missense variant. On other transcripts: intron variant (1).
Genome position (GRCh38, 1-based): chr2:32,250,179, T>C on the plus strand (A>G on the coding strand, the complement: NLRC4 is on the minus strand). VCF-style: chr2-32250179-T-C. GRCh37 (hg19) VCF-style: chr2-32475248-T-C.
Other names: c.1685A>G, p.Tyr562Cys (NM_001199139.2, NM_021209.5); c.262+2240A>G (NM_001302504.1); short protein forms Y562C.
Identifiers: ClinVar variation 2929985 (VCV002929985.3), dbSNP rs778534401, ClinGen allele CA1601943.

ClinVar aggregate classification (germline): Uncertain significance (1 of 4 stars; one submission).

Conditions:
Periodic fever-infantile enterocolitis-autoinflammatory syndrome. Also called: Autoinflammation with infantile enterocolitis. Identifiers: Orphanet 436166, MedGen C4015067, MONDO:0014472, OMIM 616050.
Familial cold autoinflammatory syndrome 4 (FCAS4). Identifiers: Orphanet 47045, Orphanet 576349, MedGen C4015276, MONDO:0014498, OMIM 616115.

Allele frequency attached by ClinVar (database versions not stated): ExAC 0.00001.

Submission:

Labcorp Genetics (formerly Invitae), Labcorp
Classification: Uncertain significance for Periodic fever-infantile enterocolitis-autoinflammatory syndrome; Familial cold autoinflammatory syndrome 4. Last evaluated: 2023-05-22. Review status: criteria provided, single submitter. Criteria: Invitae Variant Classification Sherloc (09022015). Collection method: clinical testing. Allele origin: germline.
Comment: This variant is present in population databases (rs778534401, gnomAD 0.0009%). This variant has not been reported in the literature in individuals affected with NLRC4-related conditions. Advanced modeling of protein sequence and biophysical properties (such as structural, functional, and spatial information, amino acid conservation, physicochemical variation, residue mobility, and thermodynamic stability) performed at Invitae indicates that this missense variant is not expected to disrupt NLRC4 protein function. In summary, the available evidence is currently insufficient to determine the role of this variant in disease. Therefore, it has been classified as a Variant of Uncertain Significance. This sequence change replaces tyrosine, which is neutral and polar, with cysteine, which is neutral and slightly polar, at codon 562 of the NLRC4 protein (p.Tyr562Cys).